The following is an entry in ClinVar:

NM_001035.3(RYR2):c.7232C>G (p.Ala2411Gly)

Gene: RYR2 (ryanodine receptor 2; plus strand). Cytogenetic location: 1q43.
Variant type: single nucleotide variant.
Coding change: c.7232C>G on transcript NM_001035.3 (MANE Select); coding-DNA position 7232, C replaced by G.
Protein change: p.Ala2411Gly; replaces alanine 2411 with glycine.
Molecular consequence: missense variant.
Genome position (GRCh38, 1-based): chr1:237,643,337, C>G. VCF-style: chr1-237643337-C-G. GRCh37 (hg19) VCF-style: chr1-237806637-C-G.
Other names: short protein forms A2411G.
Identifiers: ClinVar variation 925384 (VCV000925384.6), dbSNP rs781674330, ClinGen allele CA087339.

ClinVar aggregate classification (germline): Uncertain significance. Review status: criteria provided, multiple submitters, no conflicts (2 of 4 stars). 2 submissions from 2 submitters: Uncertain significance (2). Last evaluated 2025-02-05.

Conditions:
Cardiomyopathy (CMYO). Also called: Cardiomyopathies. Identifiers: Orphanet 167848, MedGen C0878544, MONDO:0004994, HP:0001638. Inheritance: Various modes of inheritance.
Catecholaminergic polymorphic ventricular tachycardia 1. Also called: VENTRICULAR TACHYCARDIA, CATECHOLAMINERGIC POLYMORPHIC, 1, WITH OR WITHOUT ATRIAL DYSFUNCTION AND/OR DILATED CARDIOMYOPATHY; RYR2-Related Catecholaminergic Polymorphic Ventricular Tachycardia; VENTRICULAR TACHYCARDIA, STRESS-INDUCED POLYMORPHIC 1. Identifiers: Orphanet 3286, MedGen C1631597, MONDO:0011484, OMIM 604772.

Allele frequency attached by ClinVar (database versions not stated): ExAC 0.00002.
gnomAD v4.1: 9 of 1,613,272 alleles (0.00056%); highest among the groups gnomAD compares: South Asian, 0.0099%; no homozygotes.

Submissions (2):

Labcorp Genetics (formerly Invitae), Labcorp
Classification: Uncertain significance for Catecholaminergic polymorphic ventricular tachycardia 1. Last evaluated: 2025-02-05. Review status: criteria provided, single submitter. Criteria: Invitae Variant Classification Sherloc (09022015). Collection method: clinical testing. Allele origin: germline.
Comment: This sequence change replaces alanine, which is neutral and non-polar, with glycine, which is neutral and non-polar, at codon 2411 of the RYR2 protein (p.Ala2411Gly). This variant is present in population databases (rs781674330, gnomAD 0.007%). This variant has not been reported in the literature in individuals affected with RYR2-related conditions. ClinVar contains an entry for this variant (Variation ID: 925384). Invitae Evidence Modeling of protein sequence and biophysical properties (such as structural, functional, and spatial information, amino acid conservation, physicochemical variation, residue mobility, and thermodynamic stability) indicates that this missense variant is not expected to disrupt RYR2 protein function with a negative predictive value of 95%. In summary, the available evidence is currently insufficient to determine the role of this variant in disease. Therefore, it has been classified as a Variant of Uncertain Significance.

Color Diagnostics, LLC DBA Color Health
Classification: Uncertain significance for Cardiomyopathy. Last evaluated: 2024-03-06. Review status: criteria provided, single submitter. Criteria: ACMG Guidelines, 2015. Collection method: clinical testing. Allele origin: germline.
Comment: This missense variant replaces alanine with glycine at codon 2411 of the RYR2 protein. Computational prediction tool suggests that this variant may not impact protein structure and function (internally defined REVEL score threshold <=0.5, PMID: 27666373). Splice site prediction tools suggest that this variant may not impact RNA splicing. To our knowledge, functional studies have not been performed for this variant. This variant has not been reported in individuals affected with cardiovascular disorders in the literature. This variant has been identified in 2/249006 chromosomes in the general population by the Genome Aggregation Database (gnomAD). The available evidence is insufficient to determine the role of this variant in disease conclusively. Therefore, this variant is classified as a Variant of Uncertain Significance.